The following is an entry in ClinVar:

NM_001558.4(IL10RA):c.1040C>T (p.Thr347Met)

Gene: IL10RA (interleukin 10 receptor subunit alpha; plus strand). Cytogenetic location: 11q23.3.
Variant type: single nucleotide variant.
Coding change: c.1040C>T on transcript NM_001558.4 (MANE Select); coding-DNA position 1040, C replaced by T.
Protein change: p.Thr347Met; replaces threonine 347 with methionine.
Molecular consequence: missense variant. On other transcripts: non-coding transcript variant (1).
Genome position (GRCh38, 1-based): chr11:117,998,944, C>T. VCF-style: chr11-117998944-C-T. GRCh37 (hg19) VCF-style: chr11-117869659-C-T.
Other names: short protein forms T347M.
Identifiers: ClinVar variation 964011 (VCV000964011.7), dbSNP rs747574092, ClinGen allele CA6299106.

ClinVar aggregate classification (germline): Uncertain significance (1 of 4 stars; one submission).

Conditions:
Inflammatory bowel disease 28. Also called: Inflammatory bowel disease 28, early onset, autosomal recessive. Identifiers: Orphanet 238569, MedGen C2751053, MONDO:0013153, OMIM 613148.

Allele frequency attached by ClinVar (database versions not stated): gnomAD exomes 0.00001 and 0.00004; TOPMed 0.00001; ExAC 0.00002; gnomAD 0.00003.
gnomAD v4.1: 23 of 1,613,272 alleles (0.0014%); highest among the groups gnomAD compares: Admixed American, 0.005%; no homozygotes.

Submission:

Labcorp Genetics (formerly Invitae), Labcorp
Classification: Uncertain significance for Inflammatory bowel disease 28. Last evaluated: 2022-01-02. Review status: criteria provided, single submitter. Criteria: Invitae Variant Classification Sherloc (09022015). Collection method: clinical testing. Allele origin: germline.
Comment: This sequence change replaces threonine, which is neutral and polar, with methionine, which is neutral and non-polar, at codon 347 of the IL10RA protein (p.Thr347Met). This variant is present in population databases (rs747574092, gnomAD 0.007%). This variant has not been reported in the literature in individuals affected with IL10RA-related conditions. ClinVar contains an entry for this variant (Variation ID: 964011). Algorithms developed to predict the effect of missense changes on protein structure and function are either unavailable or do not agree on the potential impact of this missense change (SIFT: "Deleterious"; PolyPhen-2: "Benign"; Align-GVGD: "Class C0"). In summary, the available evidence is currently insufficient to determine the role of this variant in disease. Therefore, it has been classified as a Variant of Uncertain Significance.